The following is an entry in ClinVar:

NM_182894.3(VSX2):c.*1212G>A

Gene: VSX2 (visual system homeobox 2; plus strand). Cytogenetic location: 14q24.3.
Variant type: single nucleotide variant.
Coding change: c.*1212G>A on transcript NM_182894.3 (MANE Select); 1212 bases downstream of the stop codon, G replaced by A.
Molecular consequence: 3 prime UTR variant.
Genome position (GRCh38, 1-based): chr14:74,262,131, G>A. VCF-style: chr14-74262131-G-A. GRCh37 (hg19) VCF-style: chr14-74728834-G-A.
Identifiers: ClinVar variation 314220 (VCV000314220.6), dbSNP rs117409214, ClinGen allele CA10635289.

ClinVar aggregate classification (germline): Likely benign. Review status: criteria provided, multiple submitters, no conflicts (2 of 4 stars). 3 submissions from 2 submitters: Likely benign (3). Last evaluated 2018-01-13.

Conditions:
Isolated microphthalmia 2. Identifiers: Orphanet 2542, MedGen C1864720, MONDO:0012409, OMIM 610093.
Microphthalmia, isolated, with coloboma 3 (MCOPCB3). Also called: MICROPHTHALMIA/COLOBOMA 3; MICROPHTHALMIA, COLOBOMATOUS, 3. Identifiers: Orphanet 98938, MedGen C1864721, MONDO:0012408, OMIM 610092.

Allele frequency attached by ClinVar (database versions not stated): gnomAD 0.00202 and 0.00120; 1000 Genomes Project 0.01018; TOPMed 0.00217; 1000 Genomes Project 30x 0.01015.

Submissions (3):

Illumina Laboratory Services, Illumina
Classification: Likely benign for Microphthalmia, isolated, with coloboma 3. Last evaluated: 2018-01-13. Review status: criteria provided, single submitter. Criteria: ICSL Variant Classification Criteria 13 December 2019. Collection method: clinical testing. Allele origin: germline.
Comment: This variant was observed in the ICSL laboratory as part of a predisposition screen in an ostensibly healthy population. It had not been previously curated by ICSL or reported in the Human Gene Mutation Database (HGMD: prior to June 1st, 2018), and was therefore a candidate for classification through an automated scoring system. Utilizing variant allele frequency, disease prevalence and penetrance estimates, and inheritance mode, an automated score was calculated to assess if this variant is too frequent to cause the disease. Based on the score and internal cut-off values, a variant classified as likely benign is not then subjected to further curation. The score for this variant resulted in a classification of likely benign for this disease.

Illumina Laboratory Services, Illumina
Classification: Likely benign for Isolated microphthalmia 2. Last evaluated: 2018-01-13. Review status: criteria provided, single submitter. Criteria: ICSL Variant Classification Criteria 13 December 2019. Collection method: clinical testing. Allele origin: germline.
Comment: the same text as in the submission from Illumina Laboratory Services, Illumina above.

Breakthrough Genomics
Classification: Likely benign. Review status: criteria provided, single submitter. Criteria: ACMG Guidelines, 2015. Collection method: not provided. Allele origin: germline. Inheritance: Autosomal recessive inheritance. Affected: yes.